The following is an entry in ClinVar:

ClinVar aggregate classification (germline): Conflicting classifications of pathogenicity. Review status: criteria provided, conflicting classifications (1 of 4 stars). 5 submissions from 5 submitters: Uncertain significance (1); Likely benign (4). Last evaluated 2026-01-26.

Conditions:
Autosomal recessive nonsyndromic hearing loss 9. Also called: OTOF-Related Hearing Loss; Deafness, autosomal recessive 9; AUDITORY NEUROPATHY, AUTOSOMAL RECESSIVE, 1, TEMPERATURE-SENSITIVE; NEUROSENSORY NONSYNDROMIC RECESSIVE DEAFNESS 9. Identifiers: Orphanet 90636, MedGen C1832828, MONDO:0010986, OMIM 601071.

Allele frequency attached by ClinVar (database versions not stated): gnomAD exomes 0.00007; TOPMed 0.00007; ExAC 0.00008; gnomAD 0.00010 and 0.00011; ESP Exome Variant Server 0.00015.
gnomAD v4.1: 255 of 1,602,422 alleles (0.016%); highest among the groups gnomAD compares: Non-Finnish European, 0.02%; 1 homozygote.

Submissions (5):

Labcorp Genetics (formerly Invitae), Labcorp
Classification: Likely benign. Last evaluated: 2026-01-26. Review status: criteria provided, single submitter. Criteria: Invitae Variant Classification Sherloc (09022015). Collection method: clinical testing. Allele origin: germline.

Blueprint Genetics
Classification: Likely benign. Last evaluated: 2024-11-19. Review status: criteria provided, single submitter. Criteria: ACMG Guidelines, 2015. Collection method: clinical testing. Allele origin: germline.

GeneDx
Classification: Likely benign. Last evaluated: 2020-11-04. Review status: criteria provided, single submitter. Criteria: GeneDx Variant Classification Process June 2021. Collection method: clinical testing. Allele origin: germline. Affected: yes.

Illumina Laboratory Services, Illumina
Classification: Uncertain significance for Autosomal recessive nonsyndromic hearing loss 9. Last evaluated: 2018-01-13. Review status: criteria provided, single submitter. Criteria: ICSL Variant Classification Criteria 13 December 2019. Collection method: clinical testing. Allele origin: germline.

Laboratory for Molecular Medicine, Mass General Brigham Personalized Medicine
Classification: Likely benign. Last evaluated: 2016-04-25. Review status: criteria provided, single submitter. Criteria: LMM Criteria. Collection method: clinical testing. Allele origin: germline. Observed: 1 variant allele.
Comment: c.328-11C>T in intron 4 of OTOF: This variant is not expected to have clinical s ignificance because a C>T change at this position does not diverge from the spli ce consensus sequence and is therefore unlikely to impact splicing. It has been identified in 9/64966 European chromosomes by the Exome Aggregation Consortium ( ExAC; dbSNP rs369879663).

NM_194248.3(OTOF):c.328-11C>T

Gene: OTOF (otoferlin; minus strand). Cytogenetic location: 2p23.3.
Variant type: single nucleotide variant.
Coding change: c.328-11C>T on transcript NM_194248.3 (MANE Select); 11 bases into the intron before coding-DNA position 328, C replaced by T.
Molecular consequence: intron variant.
Genome position (GRCh38, 1-based): chr2:26,516,610, G>A on the plus strand (C>T on the coding strand, the complement: OTOF is on the minus strand). VCF-style: chr2-26516610-G-A. GRCh37 (hg19) VCF-style: chr2-26739478-G-A.
Other names: c.328-11C>T (NM_001287489.2).
Identifiers: ClinVar variation 504664 (VCV000504664.20), dbSNP rs369879663, ClinGen allele CA1564697.
Genomic context (GRCh38, chr2:26,516,610, plus strand): 5'-CCCACTGTGCCGTCAGTGGCCTGATACCGGACCTCCACGCACAGGCTGGTCTGAAGGGAG[G>A]GAGGCGGTGGTGAGCAGCTGGGATGGTGACAGCAATCTCCACCCCGTATATGTGGCTGCT-3'